The following is an entry in ClinVar:

ClinVar aggregate classification (germline): Likely benign. Review status: criteria provided, single submitter (1 of 4 stars). 2 submissions from 2 submitters: Likely benign (1). 1 of the submissions does not count toward it. Last evaluated 2022-02-09.

Conditions:
PMP2-related disorder. Also called: PMP2-related condition.

Allele frequency attached by ClinVar (database versions not stated): gnomAD 0.00001 and 0.00002; gnomAD exomes 0.00002 and 0.00004; ExAC 0.00004; TOPMed 0.00004.
gnomAD v4.1: 33 of 1,613,372 alleles (0.002%); highest among the groups gnomAD compares: South Asian, 0.014%; no homozygotes.

Submissions (2):

Labcorp Genetics (formerly Invitae), Labcorp
Classification: Likely benign. Last evaluated: 2022-02-09. Review status: criteria provided, single submitter. Criteria: Invitae Variant Classification Sherloc (09022015). Collection method: clinical testing. Allele origin: germline.

PreventionGenetics, part of Exact Sciences
Classification: Likely benign for PMP2-related condition. Last evaluated: 2019-09-05. Review status: no assertion criteria provided. Collection method: clinical testing. Allele origin: germline. Not counted in ClinVar's aggregate classification.
Comment: This variant is classified as likely benign based on ACMG/AMP sequence variant interpretation guidelines (Richards et al. 2015 PMID: 25741868, with internal and published modifications).

NM_002677.5(PMP2):c.54C>T (p.Asp18=)

Gene: PMP2 (peripheral myelin protein 2; minus strand). Cytogenetic location: 8q21.13.
Variant type: single nucleotide variant.
Coding change: c.54C>T on transcript NM_002677.5 (MANE Select); coding-DNA position 54, C replaced by T.
Protein change: p.Asp18=; no amino-acid change (aspartic acid 18 retained).
Molecular consequence: synonymous variant.
Genome position (GRCh38, 1-based): chr8:81,447,333, G>A on the plus strand (C>T on the coding strand, the complement: PMP2 is on the minus strand). VCF-style: chr8-81447333-G-A. GRCh37 (hg19) VCF-style: chr8-82359568-G-A.
Other names: c.54C>T, p.Asp18= (NM_001348381.2); c.54C>T (NM_002677.3).
Identifiers: ClinVar variation 1570763 (VCV001570763.10), dbSNP rs778495063, ClinGen allele CA4792005.